The following is an entry in ClinVar:

NM_033004.4(NLRP1):c.2870+6G>A

Gene: NLRP1 (NLR family pyrin domain containing 1; minus strand). Cytogenetic location: 17p13.2.
Variant type: single nucleotide variant.
Coding change: c.2870+6G>A on transcript NM_033004.4 (MANE Select); 6 bases into the intron after coding-DNA position 2870, G replaced by A.
Molecular consequence: intron variant.
Genome position (GRCh38, 1-based): chr17:5,539,409, C>T on the plus strand (G>A on the coding strand, the complement: NLRP1 is on the minus strand). VCF-style: chr17-5539409-C-T. GRCh37 (hg19) VCF-style: chr17-5442729-C-T.
Other names: c.2870+6G>A (NM_001033053.3, NM_033007.4, NM_033006.4 and 1 more transcripts).
Identifiers: ClinVar variation 3728171 (VCV003728171.2).

ClinVar aggregate classification (germline): Uncertain significance (1 of 4 stars; one submission).

Submission:

Labcorp Genetics (formerly Invitae), Labcorp
Classification: Uncertain significance. Last evaluated: 2025-01-05. Review status: criteria provided, single submitter. Criteria: Invitae Variant Classification Sherloc (09022015). Collection method: clinical testing. Allele origin: germline.
Comment: This sequence change falls in intron 7 of the NLRP1 gene. It does not directly change the encoded amino acid sequence of the NLRP1 protein. It affects a nucleotide within the consensus splice site. This variant is not present in population databases (gnomAD no frequency). This variant has not been reported in the literature in individuals affected with NLRP1-related conditions. Variants that disrupt the consensus splice site are a relatively common cause of aberrant splicing (PMID: 17576681, 9536098). Algorithms developed to predict the effect of sequence changes on RNA splicing suggest that this variant is not likely to affect RNA splicing. In summary, the available evidence is currently insufficient to determine the role of this variant in disease. Therefore, it has been classified as a Variant of Uncertain Significance.

Literature cited by the submitters: PubMed 17576681; PubMed 9536098.